The following is an entry in ClinVar:

ClinVar aggregate classification (germline): Uncertain significance (1 of 4 stars; one submission).

gnomAD v4.1: 2 of 1,614,004 alleles (0.00012%); highest among the groups gnomAD compares: Non-Finnish European, 0.00017%; no homozygotes.

Submission:

Labcorp Genetics (formerly Invitae), Labcorp
Classification: Uncertain significance. Last evaluated: 2021-12-19. Review status: criteria provided, single submitter. Criteria: Invitae Variant Classification Sherloc (09022015). Collection method: clinical testing. Allele origin: germline.
Comment: This sequence change replaces threonine, which is neutral and polar, with lysine, which is basic and polar, at codon 371 of the FBLN5 protein (p.Thr371Lys). This variant is not present in population databases (gnomAD no frequency). This variant has not been reported in the literature in individuals affected with FBLN5-related conditions. Algorithms developed to predict the effect of missense changes on protein structure and function are either unavailable or do not agree on the potential impact of this missense change (SIFT: "Tolerated"; PolyPhen-2: "Probably Damaging"; Align-GVGD: "Class C25"). In summary, the available evidence is currently insufficient to determine the role of this variant in disease. Therefore, it has been classified as a Variant of Uncertain Significance.

NM_006329.4(FBLN5):c.1112C>A (p.Thr371Lys)

Gene: FBLN5 (fibulin 5; minus strand). Cytogenetic location: 14q32.12.
Variant type: single nucleotide variant.
Coding change: c.1112C>A on transcript NM_006329.4 (MANE Select); coding-DNA position 1112, C replaced by A.
Protein change: p.Thr371Lys; replaces threonine 371 with lysine.
Molecular consequence: missense variant.
Genome position (GRCh38, 1-based): chr14:91,877,560, G>T on the plus strand (C>A on the coding strand, the complement: FBLN5 is on the minus strand). VCF-style: chr14-91877560-G-T. GRCh37 (hg19) VCF-style: chr14-92343904-G-T.
Other names: c.1235C>A, p.Thr412Lys (NM_001384158.1); c.1163C>A, p.Thr388Lys (NM_001384159.1); c.1112C>A, p.Thr371Lys (NM_001384160.1); c.944C>A, p.Thr315Lys (NM_001384161.1, NM_001384162.1); short protein forms T315K, T412K, T388K, T371K.
Identifiers: ClinVar variation 1944929 (VCV001944929.5), dbSNP rs762522472, ClinGen allele CA265594117.